The following is an entry in ClinVar:

NR_002728.4(KCNQ1OT1):n.86610G>A

Genes: KCNQ1 (potassium voltage-gated channel subfamily Q member 1; plus strand), KCNQ1OT1 (KCNQ1 opposite strand/antisense transcript 1; minus strand). Cytogenetic location: 11p15.5.
Variant type: single nucleotide variant.
Molecular consequence: non-coding transcript variant (on NR_002728.4). On other transcripts: intron variant (5).
Genome position: GRCh38 VCF-style: chr11-2613385-C-T. GRCh37 (hg19) VCF-style: chr11-2634615-C-T.
Other names: c.1123+24531C>T (NM_001406837.1); c.1393+24531C>T (NM_000218.3); c.1297+24531C>T (NM_001406836.1); c.853+24531C>T (NM_001406838.1); c.1012+24531C>T (NM_181798.2).
Identifiers: ClinVar variation 4987880 (VCV004987880.1).
Genomic context (GRCh38, chr11:2,613,385, plus strand): 5'-TCTTAATCTGTCGCTTGCCCAACCAGTATTGAAACATTAGGTTGCTGTGATGTGGGTTGC[C>T]TCCAATTATTTGCCACTGAAATCCTTGTTGCTTAACATAGTGCATAGGGTTTTCTATGGA-3'

ClinVar aggregate classification (germline): Uncertain significance (1 of 4 stars; one submission).

Conditions:
KCNQ1OT1-related disorder. Also called: KCNQ1OT1-related condition.

Submission:

PreventionGenetics, part of Exact Sciences
Classification: Uncertain significance for KCNQ1OT1-related condition. Last evaluated: 2025-01-08. Review status: criteria provided, single submitter. Criteria: ACMG Guidelines, 2015. Collection method: clinical testing. Allele origin: germline.
Comment: The KCNQ1OT1 n.86614G>A is a noncoding alteration. To our knowledge, this variant has not been reported in the literature or in a large population database (gnomAD), indicating this variant is rare. At this time, the clinical significance of this variant is uncertain due to the absence of conclusive functional and genetic evidence.